The following is an entry in ClinVar:

NM_018297.4(NGLY1):c.1795A>G (p.Ser599Gly)

Gene: NGLY1 (N-glycanase 1; minus strand). Cytogenetic location: 3p24.2.
Variant type: single nucleotide variant.
Coding change: c.1795A>G on transcript NM_018297.4 (MANE Select); coding-DNA position 1795, A replaced by G.
Protein change: p.Ser599Gly; replaces serine 599 with glycine.
Molecular consequence: missense variant. On other transcripts: synonymous variant (1).
Genome position (GRCh38, 1-based): chr3:25,719,630, T>C on the plus strand (A>G on the coding strand, the complement: NGLY1 is on the minus strand). VCF-style: chr3-25719630-T-C. GRCh37 (hg19) VCF-style: chr3-25761121-T-C.
Other names: c.1741A>G, p.Ser581Gly (NM_001145293.2); c.1669A>G, p.Ser557Gly (NM_001145294.2); c.1617A>G, p.Thr539= (NM_001145295.2); short protein forms S557G, S599G, S581G.
Identifiers: ClinVar variation 571065 (VCV000571065.8), dbSNP rs200463539, ClinGen allele CA71656986.
Genomic context (GRCh38, chr3:25,719,630, plus strand): 5'-TTAATTCTGCTTCCAAAATAACTTCAGTGGCACCAGAAAAATCAGCATAGGAGTGAAGAC[T>C]GTTATCTGTTAGAGGGAAAAAAAAAATTAACATTTTGCTTTTGGTAATTTAAAGAGCACA-3'
Protein context (NP_060767.2, residues 589-609): TAQVELTGDN[Ser599Gly]LHSYADFSGA

ClinVar aggregate classification (germline): Uncertain significance. Review status: criteria provided, multiple submitters, no conflicts (2 of 4 stars). 2 submissions from 2 submitters: Uncertain significance (2). Last evaluated 2023-04-03.

Conditions:
Congenital disorder of deglycosylation (CDDG). Identifiers: MedGen C3808991, MONDO:0031376.

Allele frequency attached by ClinVar (database versions not stated): gnomAD exomes 0.00002 and 0.00018; gnomAD 0.00007 and 0.00008; TOPMed 0.00008.
gnomAD v4.1: 285 of 1,611,340 alleles (0.018%); highest among the groups gnomAD compares: Non-Finnish European, 0.022%; 1 homozygote.

Submissions (2):

GeneDx
Classification: Uncertain significance. Last evaluated: 2023-04-03. Review status: criteria provided, single submitter. Criteria: GeneDx Variant Classification Process June 2021. Collection method: clinical testing. Allele origin: germline. Affected: yes.
Comment: In silico analysis, which includes protein predictors and evolutionary conservation, supports that this variant does not alter protein structure/function; Has not been previously published as pathogenic or benign to our knowledge; Not observed at significant frequency in large population cohorts (gnomAD)

Labcorp Genetics (formerly Invitae), Labcorp
Classification: Uncertain significance for Congenital disorder of deglycosylation. Last evaluated: 2022-08-13. Review status: criteria provided, single submitter. Criteria: Invitae Variant Classification Sherloc (09022015). Collection method: clinical testing. Allele origin: germline.
Comment: This sequence change replaces serine, which is neutral and polar, with glycine, which is neutral and non-polar, at codon 599 of the NGLY1 protein (p.Ser599Gly). This variant is present in population databases (rs200463539, gnomAD 0.006%). This variant has not been reported in the literature in individuals affected with NGLY1-related conditions. ClinVar contains an entry for this variant (Variation ID: 571065). Algorithms developed to predict the effect of missense changes on protein structure and function (SIFT, PolyPhen-2, Align-GVGD) all suggest that this variant is likely to be tolerated. In summary, the available evidence is currently insufficient to determine the role of this variant in disease. Therefore, it has been classified as a Variant of Uncertain Significance.